The following is an entry in ClinVar:

NM_001854.4(COL11A1):c.1899+3A>G

Gene: COL11A1 (collagen type XI alpha 1 chain; minus strand). Cytogenetic location: 1p21.1.
Variant type: single nucleotide variant.
Coding change: c.1899+3A>G on transcript NM_001854.4 (MANE Select); 3 bases into the intron after coding-DNA position 1899, A replaced by G.
Molecular consequence: intron variant.
Genome position (GRCh38, 1-based): chr1:103,004,605, T>C on the plus strand (A>G on the coding strand, the complement: COL11A1 is on the minus strand). VCF-style: chr1-103004605-T-C. GRCh37 (hg19) VCF-style: chr1-103470161-T-C.
Other names: c.1782+3A>G (NM_001190709.2); c.1935+3A>G (NM_080629.3); c.1551+3A>G (NM_080630.4).
Identifiers: ClinVar variation 291528 (VCV000291528.18), dbSNP rs374676938, ClinGen allele CA974769.
Genomic context (GRCh38, chr1:103,004,605, plus strand): 5'-CATGATTTTGTTTTATTATGTTTTAATTTTAAATATTTCTTAAGAAAAGAAGTATTAACA[T>C]ACCCTCATTCCATCATCACCAGGAGGACCTGGAGGACCTTGAGGACCTCGTTCACCCTGT-3'

ClinVar aggregate classification (germline): Uncertain significance. Review status: criteria provided, multiple submitters, no conflicts (2 of 4 stars). 7 submissions from 6 submitters: Uncertain significance (7). Last evaluated 2025-09-17.

Conditions:
COL11A1-related disorder. Also called: COL11A1-related disorders; COL11A1-related condition.
Fibrochondrogenesis 1 (FBCG1). Identifiers: Orphanet 2021, MedGen C3278138, MONDO:0009226, OMIM 228520.
Stickler syndrome type 2 (STL2). Also called: STICKLER SYNDROME, TYPE II; COL11A1-Related Stickler Syndrome; STICKLER SYNDROME, BEADED VITREOUS TYPE; STICKLER SYNDROME, VITREOUS TYPE 2. Identifiers: Orphanet 828, Orphanet 90654, MedGen C1858084, MONDO:0011493, OMIM 604841.

Allele frequency attached by ClinVar (database versions not stated): gnomAD exomes 0.00001; ExAC 0.00002; TOPMed 0.00002; gnomAD 0.00006 and 0.00007; 1000 Genomes Project 30x 0.00016; 1000 Genomes Project 0.00020.
gnomAD v4.1: 27 of 1,607,850 alleles (0.0017%); highest among the groups gnomAD compares: East Asian, 0.016%; no homozygotes.

Submissions (7):

Labcorp Genetics (formerly Invitae), Labcorp
Classification: Uncertain significance. Last evaluated: 2025-09-17. Review status: criteria provided, single submitter. Criteria: Invitae Variant Classification Sherloc (09022015). Collection method: clinical testing. Allele origin: germline.
Comment: This sequence change falls in intron 19 of the COL11A1 gene. It does not directly change the encoded amino acid sequence of the COL11A1 protein. It affects a nucleotide within the consensus splice site. This variant is present in population databases (rs374676938, gnomAD 0.02%). This variant has been observed in individual(s) with unilateral high myopia (PMID: 38243264). ClinVar contains an entry for this variant (Variation ID: 291528). Variants that disrupt the consensus splice site are a relatively common cause of aberrant splicing (PMID: 17576681, 9536098). Algorithms developed to predict the effect of sequence changes on RNA splicing suggest that this variant is not likely to affect RNA splicing. In summary, the available evidence is currently insufficient to determine the role of this variant in disease. Therefore, it has been classified as a Variant of Uncertain Significance.

PreventionGenetics, part of Exact Sciences
Classification: Uncertain significance for COL11A1-related condition. Last evaluated: 2023-08-11. Review status: criteria provided, single submitter. Criteria: ACMG Guidelines, 2015. Collection method: clinical testing. Allele origin: germline.
Comment: The COL11A1 c.1899+3A>G variant is predicted to interfere with splicing. To our knowledge, this variant has not been reported in the literature. This variant is reported in 0.015% of alleles in individuals of East Asian descent in gnomAD. At this time, the clinical significance of this variant is uncertain due to the absence of conclusive functional and genetic evidence.

GeneDx
Classification: Uncertain significance. Last evaluated: 2023-08-08. Review status: criteria provided, single submitter. Criteria: GeneDx Variant Classification Process June 2021. Collection method: clinical testing. Allele origin: germline. Affected: yes.
Comment: Not observed at significant frequency in large population cohorts (gnomAD); In silico analysis supports that this variant does not alter splicing; Has not been previously published as pathogenic or benign to our knowledge

Revvity Omics, Revvity
Classification: Uncertain significance. Last evaluated: 2023-06-14. Review status: criteria provided, single submitter. Criteria: ACMG Guidelines, 2015. Collection method: clinical testing. Allele origin: germline.

Blueprint Genetics
Classification: Uncertain significance. Last evaluated: 2018-12-14. Review status: criteria provided, single submitter. Criteria: ACMG Guidelines, 2015. Collection method: clinical testing. Allele origin: germline.

Illumina Laboratory Services, Illumina
Classification: Uncertain significance for Stickler syndrome type 2. Last evaluated: 2018-01-12. Review status: criteria provided, single submitter. Criteria: ICSL Variant Classification Criteria 13 December 2019. Collection method: clinical testing. Allele origin: germline.

Illumina Laboratory Services, Illumina
Classification: Uncertain significance for Fibrochondrogenesis 1. Last evaluated: 2018-01-12. Review status: criteria provided, single submitter. Criteria: ICSL Variant Classification Criteria 13 December 2019. Collection method: clinical testing. Allele origin: germline.

Literature cited by the submitters: PubMed 38243264 (cited by Labcorp Genetics (formerly Invitae), Labcorp); PubMed 17576681 (cited by Labcorp Genetics (formerly Invitae), Labcorp); PubMed 9536098 (cited by Labcorp Genetics (formerly Invitae), Labcorp).